The following is an entry in ClinVar:

NM_138711.6(PPARG):c.529+10C>T

Gene: PPARG (peroxisome proliferator activated receptor gamma; plus strand). Cytogenetic location: 3p25.2.
Variant type: single nucleotide variant.
Coding change: c.529+10C>T on transcript NM_138711.6 (MANE Select); 10 bases into the intron after coding-DNA position 529, C replaced by T.
Molecular consequence: intron variant.
Genome position (GRCh38, 1-based): chr3:12,392,762, C>T. VCF-style: chr3-12392762-C-T. GRCh37 (hg19) VCF-style: chr3-12434261-C-T.
Other names: c.529+10C>T (NM_001354666.3, NM_138712.5, NM_005037.7 and 6 more transcripts); c.102+10C>T (NM_001354669.2); c.535+10C>T (NM_001374266.1, NM_001354670.2); c.619+10C>T (NM_015869.5, NM_001374265.1, NM_001354668.2).
Identifiers: ClinVar variation 3355769 (VCV003355769.1).

ClinVar aggregate classification (germline): Likely benign (0 of 4 stars; one submission).

Conditions:
PPARG-related disorder. Also called: PPARG-related disorders; PPARG-related condition.

Submission:

PreventionGenetics, part of Exact Sciences
Classification: Likely benign for PPARG-related condition. Last evaluated: 2021-12-08. Review status: no assertion criteria provided. Collection method: clinical testing. Allele origin: germline.
Comment: This variant is classified as likely benign based on ACMG/AMP sequence variant interpretation guidelines (Richards et al. 2015 PMID: 25741868, with internal and published modifications).